The following is an entry in ClinVar:

NM_004850.5(ROCK2):c.12C>T (p.Pro4=)

Genes: ROCK2 (Rho associated coiled-coil containing protein kinase 2; minus strand), LOC129933119 (ATAC-STARR-seq lymphoblastoid silent region 11172; plus strand). Cytogenetic location: 2p25.1.
Variant type: single nucleotide variant.
Coding change: c.12C>T on transcript NM_004850.5 (MANE Select); coding-DNA position 12, C replaced by T.
Protein change: p.Pro4=; no amino-acid change (proline 4 retained).
Molecular consequence: synonymous variant. On other transcripts: intron variant (1).
Genome position (GRCh38, 1-based): chr2:11,344,125, G>A on the plus strand (C>T on the coding strand, the complement: ROCK2 is on the minus strand). VCF-style: chr2-11344125-G-A. GRCh37 (hg19) VCF-style: chr2-11484251-G-A.
Other names: c.-118+1149C>T (NM_001321643.2).
Identifiers: ClinVar variation 3033972 (VCV003033972.2), dbSNP rs746788461, ClinGen allele CA1530720.

ClinVar aggregate classification (germline): Likely benign (0 of 4 stars; one submission).

Conditions:
ROCK2-related disorder. Also called: ROCK2-related condition.

Allele frequency attached by ClinVar (database versions not stated): ExAC 0.00005; gnomAD 0.00005.
gnomAD v4.1: 56 of 1,470,940 alleles (0.0038%); highest among the groups gnomAD compares: Middle Eastern, 0.022%; no homozygotes.

Submission:

PreventionGenetics, part of Exact Sciences
Classification: Likely benign for ROCK2-related condition. Last evaluated: 2019-11-15. Review status: no assertion criteria provided. Collection method: clinical testing. Allele origin: germline.
Comment: This variant is classified as likely benign based on ACMG/AMP sequence variant interpretation guidelines (Richards et al. 2015 PMID: 25741868, with internal and published modifications).